The following is an entry in ClinVar:

ClinVar aggregate classification (germline): Conflicting classifications of pathogenicity. Review status: criteria provided, conflicting classifications (1 of 4 stars). 3 submissions from 3 submitters: Uncertain significance (2); Likely benign (1). Last evaluated 2025-08-30.

Conditions:
Polyps, multiple and recurrent inflammatory fibroid, gastrointestinal. Identifiers: MedGen C5193005, MONDO:0008285, OMIM 175510.
Hereditary cancer-predisposing syndrome. Also called: Hereditary Cancer Syndrome; Tumor predisposition; Neoplastic Syndromes, Hereditary; Hereditary neoplastic syndrome. Identifiers: Orphanet 140162, MedGen C0027672, MeSH D009386, MONDO:0015356.
Gastrointestinal stromal tumor. Also called: Gastrointestinal stromal tumor, somatic; Gastrointestinal stroma tumor. Identifiers: Orphanet 44890, MedGen C0238198, MeSH D046152, MONDO:0011719, OMIM 606764, HP:0100723.

Allele frequency attached by ClinVar (database versions not stated): gnomAD exomes 0.00002.
gnomAD v4.1: 6 of 1,613,142 alleles (0.00037%); highest among the groups gnomAD compares: Middle Eastern, 0.033%; no homozygotes.

Submissions (3):

Labcorp Genetics (formerly Invitae), Labcorp
Classification: Uncertain significance for Gastrointestinal stromal tumor. Last evaluated: 2025-08-30. Review status: criteria provided, single submitter. Criteria: Invitae Variant Classification Sherloc (09022015). Collection method: clinical testing. Allele origin: germline.
Comment: This sequence change replaces methionine, which is neutral and non-polar, with threonine, which is neutral and polar, at codon 980 of the PDGFRA protein (p.Met980Thr). This variant is present in population databases (no rsID available, gnomAD 0.009%). This variant has not been reported in the literature in individuals affected with PDGFRA-related conditions. ClinVar contains an entry for this variant (Variation ID: 572849). Invitae Evidence Modeling of protein sequence and biophysical properties (such as structural, functional, and spatial information, amino acid conservation, physicochemical variation, residue mobility, and thermodynamic stability) indicates that this missense variant is not expected to disrupt PDGFRA protein function with a negative predictive value of 80%. In summary, the available evidence is currently insufficient to determine the role of this variant in disease. Therefore, it has been classified as a Variant of Uncertain Significance.

Ambry Genetics
Classification: Likely benign for Hereditary cancer-predisposing syndrome. Last evaluated: 2024-08-21. Review status: criteria provided, single submitter. Criteria: Ambry Variant Classification Scheme 2023. Collection method: clinical testing. Allele origin: germline.

Baylor Genetics
Classification: Uncertain significance for Polyps, multiple and recurrent inflammatory fibroid, gastrointestinal. Last evaluated: 2023-05-08. Review status: criteria provided, single submitter. Criteria: ACMG Guidelines, 2015. Collection method: clinical testing. Allele origin: unknown.

NM_006206.6(PDGFRA):c.2939T>C (p.Met980Thr)

Gene: PDGFRA (platelet derived growth factor receptor alpha; plus strand). Cytogenetic location: 4q12.
Variant type: single nucleotide variant.
Coding change: c.2939T>C on transcript NM_006206.6 (MANE Select); coding-DNA position 2939, T replaced by C.
Protein change: p.Met980Thr; replaces methionine 980 with threonine.
Molecular consequence: missense variant.
Genome position (GRCh38, 1-based): chr4:54,290,371, T>C. VCF-style: chr4-54290371-T-C. GRCh37 (hg19) VCF-style: chr4-55156538-T-C.
Other names: c.3014T>C, p.Met1005Thr (NM_001347828.2); c.2939T>C, p.Met980Thr (NM_001347829.2); c.2978T>C, p.Met993Thr (NM_001347830.2); short protein forms M980T, M993T, M1005T.
Identifiers: ClinVar variation 572849 (VCV000572849.10), dbSNP rs1381392993, ClinGen allele CA356896031.